The following is an entry in ClinVar:

NM_000350.3(ABCA4):c.4773+1G>A

Genes: ABCA4 (ATP binding cassette subfamily A member 4; minus strand), LOC126805793 (CDK7 strongly-dependent group 2 enhancer GRCh37_chr1:94486302-94487501; plus strand). Cytogenetic location: 1p22.1.
Variant type: single nucleotide variant.
Coding change: c.4773+1G>A on transcript NM_000350.3 (MANE Select); the canonical splice donor site of the intron after coding-DNA position 4773, G replaced by A.
Molecular consequence: splice donor variant.
Genome position (GRCh38, 1-based): chr1:94,021,845, C>T on the plus strand (G>A on the coding strand, the complement: ABCA4 is on the minus strand). VCF-style: chr1-94021845-C-T. GRCh37 (hg19) VCF-style: chr1-94487401-C-T.
Identifiers: ClinVar variation 3249993 (VCV003249993.4).
Genomic context (GRCh38, chr1:94,021,845, plus strand): 5'-CTCATTCATGGTAGTTAAGCAAGTCAAAAATCCTACTCAAATCTCCAGTCTGTTTACATA[C>T]CCCGCTCACATTCATGATCCGGCCAAGGTCGCTTAAAAACCCAACAAGTGCTTCCCCCGT-3'

ClinVar aggregate classification (germline): Pathogenic. Review status: criteria provided, multiple submitters, no conflicts (2 of 4 stars). 3 submissions from 3 submitters: Pathogenic (3). Last evaluated 2024-04-17.

Conditions:
ABCA4-related disorder. Also called: ABCA4-related condition; ABCA4-related disorders. Identifiers: MedGen CN239167.
Retinal dystrophy. Also called: Inherited retinal dystrophy. Identifiers: Orphanet 71862, MedGen C0854723, MeSH D058499, MONDO:0019118, HP:0000556.

gnomAD v4.1: 1 of 1,614,066 alleles (0.000062%); highest among the groups gnomAD compares: South Asian, 0.0011%; no homozygotes.

Submissions (3):

Labcorp Genetics (formerly Invitae), Labcorp
Classification: Pathogenic. Last evaluated: 2024-04-17. Review status: criteria provided, single submitter. Criteria: Invitae Variant Classification Sherloc (09022015). Collection method: clinical testing. Allele origin: germline.
Comment: This sequence change affects a donor splice site in intron 33 of the ABCA4 gene. It is expected to disrupt RNA splicing. Variants that disrupt the donor or acceptor splice site typically lead to a loss of protein function (PMID: 16199547), and loss-of-function variants in ABCA4 are known to be pathogenic (PMID: 10958761, 24938718, 25312043, 26780318). This variant is present in population databases (no rsID available, gnomAD 0.003%). Disruption of this splice site has been observed in individuals with inherited retinal dystrophy (PMID: 23755871, 26161775, 28341476). Algorithms developed to predict the effect of sequence changes on RNA splicing suggest that this variant may disrupt the consensus splice site. For these reasons, this variant has been classified as Pathogenic.

Blueprint Genetics
Classification: Pathogenic for ABCA4-related disorders. Last evaluated: 2022-11-29. Review status: criteria provided, single submitter. Criteria: ACMG Guidelines, 2015. Collection method: clinical testing. Allele origin: germline. Affected: yes. Observed: 3 variant alleles.

Institute of Human Genetics, Univ. Regensburg, Univ. Regensburg
Classification: Pathogenic for Retinal dystrophy. Last evaluated: 2008-01-01. Review status: criteria provided, single submitter. Criteria: ACMG Guidelines, 2015. Collection method: clinical testing. Allele origin: germline. Affected: yes.

Literature cited by the submitters: PubMed 16199547 (cited by Labcorp Genetics (formerly Invitae), Labcorp); PubMed 10958761 (cited by Labcorp Genetics (formerly Invitae), Labcorp); PubMed 24938718 (cited by Labcorp Genetics (formerly Invitae), Labcorp); PubMed 25312043 (cited by Labcorp Genetics (formerly Invitae), Labcorp); PubMed 26780318 (cited by Labcorp Genetics (formerly Invitae), Labcorp); PubMed 23755871 (cited by Labcorp Genetics (formerly Invitae), Labcorp); PubMed 26161775 (cited by Labcorp Genetics (formerly Invitae), Labcorp); PubMed 28341476 (cited by Labcorp Genetics (formerly Invitae), Labcorp); PubMed 14517951 (cited by Institute of Human Genetics, Univ. Regensburg, Univ. Regensburg); PubMed 22264887 (cited by Institute of Human Genetics, Univ. Regensburg, Univ. Regensburg); PubMed 25525159 (cited by Institute of Human Genetics, Univ. Regensburg, Univ. Regensburg); PubMed 31618761 (cited by Institute of Human Genetics, Univ. Regensburg, Univ. Regensburg); PubMed 31964843 (cited by Institute of Human Genetics, Univ. Regensburg, Univ. Regensburg); PubMed 31429209 (cited by Institute of Human Genetics, Univ. Regensburg, Univ. Regensburg).